The following is an entry in ClinVar:

NM_006415.4(SPTLC1):c.1328G>C (p.Ser443Thr)

Gene: SPTLC1 (serine palmitoyltransferase long chain base subunit 1; minus strand). Cytogenetic location: 9q22.31.
Variant type: single nucleotide variant.
Coding change: c.1328G>C on transcript NM_006415.4 (MANE Select); coding-DNA position 1328, G replaced by C.
Protein change: p.Ser443Thr; replaces serine 443 with threonine.
Molecular consequence: missense variant.
Genome position (GRCh38, 1-based): chr9:92,034,810, C>G on the plus strand (G>C on the coding strand, the complement: SPTLC1 is on the minus strand). VCF-style: chr9-92034810-C-G. GRCh37 (hg19) VCF-style: chr9-94797092-C-G.
Other names: c.1328G>C, p.Arg443Thr (NM_001281303.2); c.962G>C, p.Ser321Thr (NM_001368272.1); c.863G>C, p.Ser288Thr (NM_001368273.1); short protein forms S443T, R443T, S321T, S288T.
Identifiers: ClinVar variation 581855 (VCV000581855.8), dbSNP rs1463416767, ClinGen allele CA373789604.

ClinVar aggregate classification (germline): Uncertain significance (1 of 4 stars; one submission).

Conditions:
Hereditary sensory and autonomic neuropathy type 1 (HSAN1). Also called: HSAN 1; HSN Type I; Hereditary Sensory Neuropathy Type I. Identifiers: Orphanet 36386, MedGen C0020071, MONDO:0018213.

Allele frequency attached by ClinVar (database versions not stated): gnomAD 0.00001.
gnomAD v4.1: 1 of 1,613,630 alleles (0.000062%); highest among the groups gnomAD compares: Non-Finnish European, 0.000085%; no homozygotes.

Submission:

Labcorp Genetics (formerly Invitae), Labcorp
Classification: Uncertain significance for Hereditary sensory and autonomic neuropathy type 1. Last evaluated: 2018-04-16. Review status: criteria provided, single submitter. Criteria: Invitae Variant Classification Sherloc (09022015). Collection method: clinical testing. Allele origin: germline.
Comment: Nucleotide substitutions within the consensus splice site are a relatively common cause of aberrant splicing (PMID: 17576681, 9536098). Algorithms developed to predict the effect of sequence changes on RNA splicing suggest that this variant may disrupt the consensus splice site, but this prediction has not been confirmed by published transcriptional studies. This sequence change replaces serine with threonine at codon 443 of the SPTLC1 protein (p.Ser443Thr). The serine residue is highly conserved and there is a small physicochemical difference between serine and threonine. This variant also falls at the last nucleotide of exon 14 of the SPTLC1 coding sequence, which is part of the consensus splice site for this exon. This variant is not present in population databases (ExAC no frequency). This variant has not been reported in the literature in individuals with SPTLC1-related disease. Algorithms developed to predict the effect of missense changes on protein structure and function do not agree on the potential impact of this missense change (SIFT: "Deleterious"; PolyPhen-2: "Possibly Damaging"; Align-GVGD: "Class C0"). In summary, the available evidence is currently insufficient to determine the role of this variant in disease. Therefore, it has been classified as a Variant of Uncertain Significance.

Literature cited by the submitters: PubMed 17576681; PubMed 9536098.